The following is an entry in ClinVar:

NM_000799.4(EPO):c.13+10C>T

Gene: EPO (erythropoietin; plus strand). Cytogenetic location: 7q22.1.
Variant type: single nucleotide variant.
Coding change: c.13+10C>T on transcript NM_000799.4 (MANE Select); 10 bases into the intron after coding-DNA position 13, C replaced by T.
Molecular consequence: intron variant.
Genome position (GRCh38, 1-based): chr7:100,721,003, C>T. VCF-style: chr7-100721003-C-T. GRCh37 (hg19) VCF-style: chr7-100318626-C-T.
Identifiers: ClinVar variation 739804 (VCV000739804.6), dbSNP rs369468201, ClinGen allele CA4389413.

ClinVar aggregate classification (germline): Benign/Likely benign. Review status: criteria provided, multiple submitters, no conflicts (2 of 4 stars). 3 submissions from 3 submitters: Benign (1); Likely benign (1). 1 of the submissions does not count toward it. Last evaluated 2024-06-27.

Conditions:
EPO-related disorder. Also called: EPO-related condition.

Allele frequency attached by ClinVar (database versions not stated): gnomAD exomes 0.00008 and 0.00020; 1000 Genomes Project 0.00180; 1000 Genomes Project 30x 0.00187; ESP Exome Variant Server 0.00042; ExAC 0.00052; gnomAD 0.00111 and 0.00117; TOPMed 0.00119.

Submissions (3):

Blueprint Genetics
Classification: Likely benign. Last evaluated: 2024-06-27. Review status: criteria provided, single submitter. Criteria: ACMG Guidelines, 2015. Collection method: clinical testing. Allele origin: germline.

Labcorp Genetics (formerly Invitae), Labcorp
Classification: Benign. Last evaluated: 2018-09-25. Review status: criteria provided, single submitter. Criteria: Invitae Variant Classification Sherloc (09022015). Collection method: clinical testing. Allele origin: germline.

PreventionGenetics, part of Exact Sciences
Classification: Likely benign for EPO-related condition. Last evaluated: 2019-11-13. Review status: no assertion criteria provided. Collection method: clinical testing. Allele origin: germline. Not counted in ClinVar's aggregate classification.
Comment: This variant is classified as likely benign based on ACMG/AMP sequence variant interpretation guidelines (Richards et al. 2015 PMID: 25741868, with internal and published modifications).